The following is an entry in ClinVar:

NM_000218.3(KCNQ1):c.965C>T (p.Thr322Met)

Gene: KCNQ1 (potassium voltage-gated channel subfamily Q member 1; plus strand). Cytogenetic location: 11p15.5.
Variant type: single nucleotide variant.
Coding change: c.965C>T on transcript NM_000218.3 (MANE Select); coding-DNA position 965, C replaced by T.
Protein change: p.Thr322Met; replaces threonine 322 with methionine.
Molecular consequence: missense variant.
Genome position (GRCh38, 1-based): chr11:2,583,478, C>T. VCF-style: chr11-2583478-C-T. GRCh37 (hg19) VCF-style: chr11-2604708-C-T.
Other names: p.T322M:ACG>ATG; c.965C>T (LRG_287t1); c.965C>T, p.Thr322Met (NM_001406836.1); c.695C>T, p.Thr232Met (NM_001406837.1); c.521C>T, p.Thr174Met (NM_001406838.1); c.584C>T, p.Thr195Met (NM_181798.2); short protein forms T322M, T195M, T232M, T174M.
Identifiers: ClinVar variation 53151 (VCV000053151.20), dbSNP rs199472755, ClinGen allele CA008957.

ClinVar aggregate classification (germline): Pathogenic. Review status: criteria provided, multiple submitters, no conflicts (2 of 4 stars). 10 submissions from 10 submitters: Pathogenic (8). 2 of the submissions do not count toward it. Last evaluated 2025-11-17.

Conditions:
Cardiovascular phenotype. Identifiers: MedGen CN230736.
KCNQ1-related disorder. Also called: KCNQ1-related condition; KCNQ1-related disorders. Identifiers: MedGen CN239322.
Cardiac arrhythmia. Also called: Arrhythmia; Cardiac rhythm disease. Identifiers: MedGen C0003811, MONDO:0007263, HP:0011675.
Familial long QT syndrome (RWS). Also called: Congenital long QT syndrome; Romano-Ward syndrome; VENTRICULAR FIBRILLATION WITH PROLONGED QT INTERVAL. Identifiers: Orphanet 768, MedGen C1141890, MONDO:0019171.
Atrial fibrillation, familial, 3 (ATFB3). Identifiers: MedGen C1837014, MONDO:0011857, OMIM 607554.
Long QT syndrome 1 (LQT1). Identifiers: Orphanet 101016, Orphanet 768, MedGen C4551647, MONDO:0100316, OMIM 192500, MONDO:0008646.
Jervell and Lange-Nielsen syndrome 1 (JLNS1). Also called: CARDIOAUDITORY SYNDROME OF JERVELL AND LANGE-NIELSEN; DEAFNESS, CONGENITAL, AND FUNCTIONAL HEART DISEASE; PROLONGED QT INTERVAL IN EKG AND SUDDEN DEATH; SURDO-CARDIAC SYNDROME. Identifiers: Orphanet 768, Orphanet 90647, MedGen C4551509, MONDO:0024540, OMIM 220400.
Short QT syndrome type 2. Identifiers: Orphanet 51083, MedGen C1865019, MONDO:0012313, OMIM 609621.
Long QT syndrome (LQTS). Identifiers: MedGen C0023976, MeSH D008133, MONDO:0002442. Disease mechanism: loss of function. Inheritance: Various modes of inheritance.

Allele frequency attached by ClinVar (database versions not stated): gnomAD exomes below 0.00001.

Submissions (10):

Labcorp Genetics (formerly Invitae), Labcorp
Classification: Pathogenic for Long QT syndrome. Last evaluated: 2025-11-17. Review status: criteria provided, single submitter. Criteria: Invitae Variant Classification Sherloc (09022015). Collection method: clinical testing. Allele origin: germline.
Comment: This sequence change replaces threonine, which is neutral and polar, with methionine, which is neutral and non-polar, at codon 322 of the KCNQ1 protein (p.Thr322Met). This variant is present in population databases (rs199472755, gnomAD 0.0009%). This missense change has been observed in individuals with Jervell and Lange-Nielsen syndrome and/or long QT syndrome (PMID: 16414944, 17470695, 18400097, 19716085). It has also been observed to segregate with disease in related individuals. ClinVar contains an entry for this variant (Variation ID: 53151). Invitae Evidence Modeling of protein sequence and biophysical properties (such as structural, functional, and spatial information, amino acid conservation, physicochemical variation, residue mobility, and thermodynamic stability) indicates that this missense variant is expected to disrupt KCNQ1 protein function with a positive predictive value of 95%. Experimental studies have shown that this missense change affects KCNQ1 function (PMID: 23092362). For these reasons, this variant has been classified as Pathogenic.

Color Diagnostics, LLC DBA Color Health
Classification: Pathogenic for Cardiac arrhythmia. Last evaluated: 2025-08-21. Review status: criteria provided, single submitter. Criteria: ACMG Guidelines, 2015. Collection method: clinical testing. Allele origin: germline.
Comment: This missense variant replaces threonine with methionine at codon 322 of the KCNQ1 protein. This variant is located between the pore-forming domain (a.a. 300-320) and extracellular linker region (a.a. 321-327) of the KCNQ1 protein. Computational prediction suggests that this variant may have deleterious impact on protein structure and function. Functional studies have shown that this variant causes defective protein trafficking to the cell surface and has a dominant negative effect on the potassium channel function (PMID: 23092362, 25705178). This variant has been reported in many heterozygous individuals affected with long QT syndrome (PMID: 16414944, 17470695, 18400097, 19716085, 23092362, 27917693, 29654130) and biallelic individuals affected with Jervell and Lange-Nielsen Syndrome (PMID: 18400097, 27917693). This variant has been shown to segregate with disease in multiple families (PMID: 18400097, 23092362, 27917693). This variant has been identified in 1/251390 chromosomes in the general population by the Genome Aggregation Database (gnomAD). Based on the available evidence, this variant is classified as Pathogenic.

Clinical Genetics Laboratory, Region Ostergotland
Classification: Pathogenic for Long QT syndrome 1. Last evaluated: 2024-04-12. Review status: criteria provided, single submitter. Criteria: ACMG Guidelines, 2015. Collection method: clinical testing. Allele origin: germline. Affected: yes.
Comment: The following ACMG/AMP criteria were applied in classifying this variant: PS4, PM1, PM2, PM5, PP3

Department of Pathology and Laboratory Medicine, Sinai Health System
Classification: Pathogenic for Jervell and Lange-Nielsen syndrome 1; Atrial fibrillation, familial, 3; Long QT syndrome 1; Short QT syndrome type 2. Last evaluated: 2023-01-23. Review status: criteria provided, single submitter. Criteria: ACMG Guidelines, 2015. Collection method: research. Allele origin: germline.

Ambry Genetics
Classification: Pathogenic for Cardiovascular phenotype. Last evaluated: 2022-04-05. Review status: criteria provided, single submitter. Criteria: Ambry Variant Classification Scheme 2023. Collection method: clinical testing. Allele origin: germline.
Comment: The p.T322M pathogenic mutation (also known as c.965C>T), located in coding exon 7 of the KCNQ1 gene, results from a C to T substitution at nucleotide position 965. The threonine at codon 322 is replaced by methionine, an amino acid with some similar properties, and is located in the pore/S6 transmembrane spanning region. This alteration has been reported in multiple unrelated individuals with known or suspected long QT syndrome (LQTS) (Napolitano C et al. JAMA. 2005;294(23):2975-80; Moss AJ et al. Circulation. 2007;115(19):2481-9; Kapplinger JD et al. Heart Rhythm. 2009;6(9):1297-303; Aziz PF et al. Circ Arrhythm Electrophysiol. 2011;4(6):867-73; Clur SB et al. Circ Arrhythm Electrophysiol. 2018;11(4):e005797). One study reported this alteration in multiple individuals in several families with LQTS (Burgess DE et al. Biochemistry. 2012;51(45):9076-85). This alteration has been reported in the homozygous state in two siblings with Jervell and Lange-Nielsen syndrome, and in the heterozygous state in two relatives reported to have prolonged QT intervals (Zhang S et al. BMC Med Genet. 2008;9:24). In addition, in vitro studies suggest this alteration to result in abnormal protein function and trafficking (Burgess DE et al. Biochemistry. 2012;51(45):9076-85; Mousavi Nik A et al. Front Cell Neurosci. 2015;9:32). Based on the supporting evidence, this alteration is interpreted as a disease-causing mutation.

Victorian Clinical Genetics Services, Murdoch Childrens Research Institute
Classification: Pathogenic for Long QT syndrome 1. Last evaluated: 2021-05-06. Review status: criteria provided, single submitter. Criteria: ACMG Guidelines, 2015. Collection method: clinical testing. Allele origin: germline. Inheritance: Autosomal dominant inheritance.
Comment: Based on the classification scheme VCGS_Germline_v1.3.4, this variant is classified as Pathogenic. Following criteria are met: 0103 - Dominant negative, loss of function and gain of function are known mechanisms of disease in this gene. Gain of function variants result exclusively in short QT syndrome (MIM#609621), while dominant negative and loss of function variants can cause long QT syndrome (LQTS, MIM#192500), atrial fibrillation (MIM#607554) and Jervell and Lange-Nielsen syndrome (JLNS, MIM#220400) (OMIM, PMIDs: 19632626, 28438721). (I) 0108 - This gene is known to be associated with both recessive and dominant disease. JLNS is characterized by congenital, bilateral deafness and variable degrees of QT prolongation, and is the only condition caused by biallelic variants (PMID: 28438721). (I) 0112 - The condition associated with this gene has incomplete penetrance (GeneReviews, OMIM). (I) 0200 - Variant is predicted to result in a missense amino acid change from threonine to methionine. (I) 0251 - This variant is heterozygous. (I) 0302 - Variant is present in gnomAD (v2) <0.001 for a dominant condition (1 heterozygote, 0 homozygotes). (SP) 0501 - Missense variant consistently predicted to be damaging by multiple in silico tools or highly conserved with a major amino acid change. (SP) 0600 - Variant is located in the annotated Ion transport domain (NCBI). (I) 0702 - Other missense variants comparable to the one identified in this case have strong previous evidence for pathogenicity. Two different variants in the same codon resulting in changes to arginine and alanine have been reported as pathogenic in ClinVar. Two other variants in the same codon resulting in changes to lysine and proline have been reported as likely pathogenic and VUS respectively in ClinVar. (SP) 0801 - This variant has strong previous evidence of pathogenicity in unrelated individuals. This variant has been previously reported as pathogenic in multiple heterozygous individuals with LQTS (ClinVar, VCGS, PMID: 19716085, 16414944). This variant has also been reported in homozygous state in individuals with JLNS (PMID: 27917693, 18400097). (SP) 1002 - Moderate functional evidence supporting abnormal protein function. Functional studies using patch clamp assays demonstrated that this variant generates non-functional channels and causes dominant negative current suppression. However, patch clamp assays have been shown to be unreliable, therefore results from these studies are used with caution during variant classification (PMID: 23092362, 25705178). (I) 1208 - Inheritance information for this variant is not currently available in this individual. (I) Legend: (SP) - Supporting pathogenic, (I) - Information, (SB) - Supporting benign

GeneDx
Classification: Pathogenic. Last evaluated: 2020-11-04. Review status: criteria provided, single submitter. Criteria: GeneDx Variant Classification Process June 2021. Collection method: clinical testing. Allele origin: germline. Affected: yes.
Comment: Identified in multiple unrelated patients with LQTS either referred for genetic testing at GeneDx or in published literature (Napolitano et al., 2005; Zhang et al., 2008; Kapplinger et al., 2009; Jons et al., 2009; Barsheshet et al., 2012; Burgess et al., 2012; Toyota et al., 2015; Shigemizu et al., 2105; Itoh et al., 2016; Wang et al., 2017; Kwok et al., 2018); Not observed at a significant frequency in large population cohorts (Lek et al., 2016); Published functional studies demonstrate that T322M generates non-functional channels and causes dominant negative current suppression (Burgess et al., 2012; Mousavi et al., 2015; Rothenberg et al., 2016); In silico analysis, which includes protein predictors and evolutionary conservation, supports a deleterious effect; Reported in ClinVar as pathogenic (ClinVar Variant ID# 53151; Landrum et al., 2016); This variant is associated with the following publications: (PMID: 22629021, 26743238, 18400097, 16414944, 23092362, 17470695, 19716085, 22456477, 19490272, 26344792, 26132555, 25705178, 26669661, 22956155, 28491751, 25028166, 27917693, 30530868)

Blueprint Genetics
Classification: Pathogenic for KCNQ1-related disorders. Last evaluated: 2020-05-27. Review status: criteria provided, single submitter. Criteria: ACMG Guidelines, 2015. Collection method: clinical testing. Allele origin: germline. Affected: yes. Observed: 3 variant alleles.

Cardiovascular Biomedical Research Unit, Royal Brompton & Harefield NHS Foundation Trust
No classification provided. Condition: Familial long QT syndrome. Review status: no classification provided. Collection method: literature only. Allele origin: germline. Not counted in ClinVar's aggregate classification.
Comment: This variant has been reported as associated with Long QT syndrome in the following publications (PMID:16414944;PMID:18400097;PMID:19716085;PMID:17470695). This is a literature report, and does not necessarily reflect the clinical interpretation of the Imperial College / Royal Brompton Cardiovascular Genetics laboratory.

Medical Research Institute, Tokyo Medical and Dental University
Classification: Likely pathogenic for Long QT syndrome. Review status: no assertion criteria provided. Collection method: research. Allele origin: germline. Affected: yes. Not counted in ClinVar's aggregate classification.

Literature cited by the submitters: PubMed 16414944 (cited by 5 submitters); PubMed 17470695 (cited by 4 submitters); PubMed 18400097 (cited by 5 submitters); PubMed 19716085 (cited by 5 submitters); PubMed 23092362 (cited by 4 submitters); PubMed 25705178 (cited by 3 submitters); PubMed 27917693 (cited by 3 submitters); PubMed 29654130 (cited by Color Diagnostics, LLC DBA Color Health and Ambry Genetics); PubMed 21956039 (cited by Ambry Genetics); PubMed 25028166 (cited by Ambry Genetics); PubMed 28491751 (cited by Ambry Genetics); PubMed 19632626 (cited by Victorian Clinical Genetics Services, Murdoch Childrens Research Institute); PubMed 28438721 (cited by Victorian Clinical Genetics Services, Murdoch Childrens Research Institute); PubMed 22581653 (cited by Cardiovascular Biomedical Research Unit, Royal Brompton & Harefield NHS Foundation Trust); PubMed 26132555 (cited by Medical Research Institute, Tokyo Medical and Dental University).